The following is an entry in ClinVar:

NM_001370259.2(MEN1):c.912+2T>C

Gene: MEN1 (menin 1; minus strand). Cytogenetic location: 11q13.1.
Variant type: single nucleotide variant.
Coding change: c.912+2T>C on transcript NM_001370259.2 (MANE Select); the canonical splice donor site of the intron after coding-DNA position 912, T replaced by C.
Molecular consequence: splice donor variant.
Genome position (GRCh38, 1-based): chr11:64,807,009, A>G on the plus strand (T>C on the coding strand, the complement: MEN1 is on the minus strand). VCF-style: chr11-64807009-A-G. GRCh37 (hg19) VCF-style: chr11-64574481-A-G.
Other names: c.927+2T>C (NM_130804.3, NM_130803.3, NM_000244.4 and 5 more transcripts); c.807+2T>C (NM_001407148.1, NM_001407149.1, NM_001407151.1 and 2 more transcripts); c.912+2T>C (NM_130799.3, NM_001407144.1, NM_001370260.2 and 7 more transcripts).
Identifiers: ClinVar variation 431826 (VCV000431826.3), dbSNP rs1555165256, ClinGen allele CA381183471.

ClinVar aggregate classification (germline): Pathogenic (1 of 4 stars; one submission).

Submission:

GeneDx
Classification: Pathogenic. Last evaluated: 2017-06-02. Review status: criteria provided, single submitter. Criteria: GeneDx Variant Classification (06012015). Collection method: clinical testing. Allele origin: germline. Affected: yes.
Comment: The c.912+2T>C splice site variant in the MEN1 gene has been previously reported in at least one individual with hyperparathyroidism (Kong et al., 2016). This variant destroys the canonical splice donor site in intron 6, and is expected to cause abnormal gene splicing. Splice variants at the same canonical splice donor site (c.912+1G>A, c.912+1G>C) have been reported in association with multiple endocrine neoplasia type 1, supporting the functional importance of this region of the protein (Mutch et al., 1999; Klein et al., 2005). Based on currently available evidence, we consider c.912+1T>C to be pathogenic.